The following is an entry in ClinVar:

NM_001080467.3(MYO5B):c.3645C>T (p.Asp1215=)

Gene: MYO5B (myosin VB; minus strand). Cytogenetic location: 18q21.1.
Variant type: single nucleotide variant.
Coding change: c.3645C>T on transcript NM_001080467.3 (MANE Select); coding-DNA position 3645, C replaced by T.
Protein change: p.Asp1215=; no amino-acid change (aspartic acid 1215 retained).
Molecular consequence: synonymous variant.
Genome position (GRCh38, 1-based): chr18:49,864,339, G>A on the plus strand (C>T on the coding strand, the complement: MYO5B is on the minus strand). VCF-style: chr18-49864339-G-A. GRCh37 (hg19) VCF-style: chr18-47390709-G-A.
Identifiers: ClinVar variation 889047 (VCV000889047.36), dbSNP rs200991250, ClinGen allele CA8960632.

ClinVar aggregate classification (germline): Conflicting classifications of pathogenicity. Review status: criteria provided, conflicting classifications (1 of 4 stars). 4 submissions from 4 submitters: Uncertain significance (1); Likely benign (2). 1 of the submissions does not count toward it. Last evaluated 2026-01-17.

Conditions:
MYO5B-related disorder. Also called: MYO5B-related condition.
Congenital microvillous atrophy (DIAR2). Also called: MICROVILLUS ATROPHY, CONGENITAL; Microvillus inclusion disease; Diarrhea 2 with microvillus atrophy, with or without cholestasis; CONGENITAL FAMILIAL PROTRACTED DIARRHEA WITH ENTEROCYTE BRUSH-BORDER ABNORMALITIES; DAVIDSON DISEASE. Identifiers: Orphanet 2290, MedGen C0341306, MONDO:0009635, OMIM 251850.

Allele frequency attached by ClinVar (database versions not stated): TOPMed 0.00015; gnomAD exomes 0.00017 and 0.00019; gnomAD 0.00019; 1000 Genomes Project 0.00020; ExAC 0.00022; ESP Exome Variant Server 0.00024; 1000 Genomes Project 30x 0.00031.
gnomAD v4.1: 274 of 1,614,032 alleles (0.017%); highest among the groups gnomAD compares: Non-Finnish European, 0.02%; no homozygotes.

Submissions (4):

Labcorp Genetics (formerly Invitae), Labcorp
Classification: Likely benign. Last evaluated: 2026-01-17. Review status: criteria provided, single submitter. Criteria: Invitae Variant Classification Sherloc (09022015). Collection method: clinical testing. Allele origin: germline.

CeGaT Center for Human Genetics Tuebingen
Classification: Likely benign. Last evaluated: 2025-11-01. Review status: criteria provided, single submitter. Criteria: CeGaT Center For Human Genetics Tuebingen Variant Classification Criteria Version 2. Collection method: clinical testing. Allele origin: germline. Affected: yes. Observed: 2 variant alleles.
Comment: MYO5B: BP4, BP7

Illumina Laboratory Services, Illumina
Classification: Uncertain significance for Congenital microvillous atrophy. Last evaluated: 2018-01-13. Review status: criteria provided, single submitter. Criteria: ICSL Variant Classification Criteria 13 December 2019. Collection method: clinical testing. Allele origin: germline.

PreventionGenetics, part of Exact Sciences
Classification: Likely benign for MYO5B-related condition. Last evaluated: 2021-12-23. Review status: no assertion criteria provided. Collection method: clinical testing. Allele origin: germline. Not counted in ClinVar's aggregate classification.
Comment: This variant is classified as likely benign based on ACMG/AMP sequence variant interpretation guidelines (Richards et al. 2015 PMID: 25741868, with internal and published modifications).